The following is an entry in ClinVar:

NM_016373.4(WWOX):c.517-10C>G

Gene: WWOX (WW domain containing oxidoreductase; plus strand). Cytogenetic location: 16q23.1.
Variant type: single nucleotide variant.
Coding change: c.517-10C>G on transcript NM_016373.4 (MANE Select); 10 bases into the intron before coding-DNA position 517, C replaced by G.
Molecular consequence: intron variant.
Genome position (GRCh38, 1-based): chr16:78,386,850, C>G. VCF-style: chr16-78386850-C-G. GRCh37 (hg19) VCF-style: chr16-78420747-C-G.
Other names: c.178-10C>G (NM_001291997.2).
Identifiers: ClinVar variation 385828 (VCV000385828.11), dbSNP rs199820033, ClinGen allele CA8183314.

ClinVar aggregate classification (germline): Conflicting classifications of pathogenicity. Review status: criteria provided, conflicting classifications (1 of 4 stars). 4 submissions from 4 submitters: Uncertain significance (1); Likely benign (3). Last evaluated 2025-11-06.

Conditions:
Developmental and epileptic encephalopathy, 1 (DEE1). Also called: OHTAHARA SYNDROME, X-LINKED; X-linked infantile spasms; West's syndrome; Tonic spasms with clustering, arrest of psychomotor development and hypsarrhythmia on EEG; X-Linked Infantile Spasm Syndrome; Epileptic encephalopathy, early infantile, 1. Identifiers: MedGen C3463992, MONDO:0010632, OMIM 308350. Disease mechanism: loss of function.
Autosomal recessive spinocerebellar ataxia 12. Also called: SPINOCEREBELLAR ATAXIA WITH MENTAL RETARDATION AND EPILEPSY. Identifiers: Orphanet 284282, MedGen C3280452, MONDO:0013687, OMIM 614322.

Allele frequency attached by ClinVar (database versions not stated): ExAC 0.00001; gnomAD 0.00003 and 0.00004; TOPMed 0.00004.
gnomAD v4.1: 35 of 1,611,000 alleles (0.0022%); highest among the groups gnomAD compares: Non-Finnish European, 0.0028%; no homozygotes.

Submissions (5):

Women's Health and Genetics/Laboratory Corporation of America, LabCorp
Classification: Uncertain significance. Last evaluated: 2025-11-06. Review status: criteria provided, single submitter. Criteria: LabCorp Variant Classification Summary - May 2015. Collection method: clinical testing. Allele origin: germline.
Comment: Variant summary: WWOX c.517-10C>G alters a non-conserved nucleotide located at a position not widely known to affect splicing. Some computational tools predict a significant impact on normal splicing: two predict the variant weakens a 3' acceptor site, while two predict no significant impact on splicing. However, these predictions have yet to be confirmed by functional studies. The variant allele was found at a frequency of 2.2e-05 in 1604004 control chromosomes (i.e. 35 carriers) in the gnomAD database (v4.1 dataset). This frequency is not significantly higher than estimated for disease-causing variants in WWOX, allowing no conclusion about variant significance. To our knowledge, no occurrence of c.517-10C>G in individuals affected with WWOX-related conditions and no experimental evidence demonstrating its impact on protein function has been reported. ClinVar contains an entry for this variant (Variation ID: 385828). Based on the evidence outlined above, the variant was classified as uncertain significance.

Labcorp Genetics (formerly Invitae), Labcorp
Classification: Likely benign for Developmental and epileptic encephalopathy, 1; Autosomal recessive spinocerebellar ataxia 12. Last evaluated: 2024-10-23. Review status: criteria provided, single submitter. Criteria: Invitae Variant Classification Sherloc (09022015). Collection method: clinical testing. Allele origin: germline.

Blueprint Genetics
Classification: Likely benign. Last evaluated: 2024-09-10. Review status: criteria provided, single submitter. Criteria: ACMG Guidelines, 2015. Collection method: clinical testing. Allele origin: germline.

GeneDx
Classification: Likely benign. Last evaluated: 2016-05-05. Review status: criteria provided, single submitter. Criteria: GeneDx Variant Classification (06012015). Collection method: clinical testing. Allele origin: germline. Affected: yes.
Comment: This variant is considered likely benign or benign based on one or more of the following criteria: it is a conservative change, it occurs at a poorly conserved position in the protein, it is predicted to be benign by multiple in silico algorithms, and/or has population frequency not consistent with disease.

Dr. Peter K. Rogan Lab, Western University
No classification provided (evidence only). Condition: Clear cell carcinoma of kidney. Review status: no classification provided. Collection method: in vitro. Allele origin: not applicable. Functional consequence: retained intron. Not counted in ClinVar's aggregate classification.